The following is an entry in ClinVar:

NM_031935.3(HMCN1):c.16213A>G (p.Arg5405Gly)

Gene: HMCN1 (hemicentin 1; plus strand). Cytogenetic location: 1q31.1.
Variant type: single nucleotide variant.
Coding change: c.16213A>G on transcript NM_031935.3 (MANE Select); coding-DNA position 16213, A replaced by G.
Protein change: p.Arg5405Gly; replaces arginine 5405 with glycine.
Molecular consequence: missense variant.
Genome position (GRCh38, 1-based): chr1:186,178,685, A>G. VCF-style: chr1-186178685-A-G. GRCh37 (hg19) VCF-style: chr1-186147817-A-G.
Other names: short protein forms R5405G.
Identifiers: ClinVar variation 2117735 (VCV002117735.4), dbSNP rs2528263319, ClinGen allele CA343938951.
Genomic context (GRCh38, chr1:186,178,685, plus strand): 5'-CAACAGCATTACAGACAGTACTCACATCTCTACAGCTCCTACTCAGAGTATAGAAACAGC[A>G]GAACATCTCTCTCCAGGACTAGAAGGACTATTAGGAAAACTTGCCCTGAAGGCTCTGAGG-3'
Protein context (NP_114141.2, residues 5395-5415): YSSYSEYRNS[Arg5405Gly]TSLSRTRRTI

ClinVar aggregate classification (germline): Uncertain significance (1 of 4 stars; one submission).

Submission:

Labcorp Genetics (formerly Invitae), Labcorp
Classification: Uncertain significance. Last evaluated: 2023-02-20. Review status: criteria provided, single submitter. Criteria: Invitae Variant Classification Sherloc (09022015). Collection method: clinical testing. Allele origin: germline.
Comment: In summary, the available evidence is currently insufficient to determine the role of this variant in disease. Therefore, it has been classified as a Variant of Uncertain Significance. An algorithm developed to predict the effect of missense changes on protein structure and function (PolyPhen-2) suggests that this variant is likely to be tolerated. This sequence change replaces arginine, which is basic and polar, with glycine, which is neutral and non-polar, at codon 5405 of the HMCN1 protein (p.Arg5405Gly). This variant is not present in population databases (gnomAD no frequency). This variant has not been reported in the literature in individuals affected with HMCN1-related conditions.